The following is an entry in ClinVar:

NM_004035.7(ACOX1):c.788G>C (p.Gly263Ala)

Gene: ACOX1 (acyl-CoA oxidase 1; minus strand). Cytogenetic location: 17q25.1.
Variant type: single nucleotide variant.
Coding change: c.788G>C on transcript NM_004035.7 (MANE Select); coding-DNA position 788, G replaced by C.
Protein change: p.Gly263Ala; replaces glycine 263 with alanine.
Molecular consequence: missense variant.
Genome position (GRCh38, 1-based): chr17:75,953,607, C>G on the plus strand (G>C on the coding strand, the complement: ACOX1 is on the minus strand). VCF-style: chr17-75953607-C-G. GRCh37 (hg19) VCF-style: chr17-73949688-C-G.
Other names: c.674G>C, p.Gly225Ala (NM_001185039.2); c.788G>C, p.Gly263Ala (NM_007292.6); short protein forms G263A, G225A.
Identifiers: ClinVar variation 325385 (VCV000325385.48), dbSNP rs377216317, ClinGen allele CA8776915.
Genomic context (GRCh38, chr17:75,953,607, plus strand): 5'-GACCTGACAAACACCATGGTCCCGTAAGTCAGCTTGTTACTCAGCGGTTTCACGTATGTG[C>G]CATCAGGCTTCACCTGGAAGAAGAACGTGGAACTGATACTTCCTTCTTTTAAGCCCAAGA-3'
Protein context (NP_004026.2, residues 253-273): LMKYAQVKPD[Gly263Ala]TYVKPLSNKL

ClinVar aggregate classification (germline): Uncertain significance. Review status: criteria provided, multiple submitters, no conflicts (2 of 4 stars). 4 submissions from 4 submitters: Uncertain significance (4). Last evaluated 2025-01-11.

Conditions:
Acyl-CoA oxidase deficiency. Also called: Peroxisomal acyl-CoA oxidase deficiency; STRAIGHT-CHAIN ACYL-CoA OXIDASE DEFICIENCY; Pseudoneonatal adrenoleukodystrophy. Identifiers: Orphanet 2971, MedGen C1849678, MONDO:0009919, OMIM 264470. Disease mechanism: loss of function.

Allele frequency attached by ClinVar (database versions not stated): TOPMed 0.00003; ExAC 0.00007; gnomAD 0.00007 and 0.00008; ESP Exome Variant Server 0.00008; gnomAD exomes 0.00008.
gnomAD v4.1: 72 of 1,613,990 alleles (0.0045%); highest among the groups gnomAD compares: Non-Finnish European, 0.0036%; no homozygotes.

Submissions (4):

Labcorp Genetics (formerly Invitae), Labcorp
Classification: Uncertain significance for Acyl-CoA oxidase deficiency. Last evaluated: 2025-01-11. Review status: criteria provided, single submitter. Criteria: Invitae Variant Classification Sherloc (09022015). Collection method: clinical testing. Allele origin: germline.
Comment: This sequence change replaces glycine, which is neutral and non-polar, with alanine, which is neutral and non-polar, at codon 263 of the ACOX1 protein (p.Gly263Ala). This variant is present in population databases (rs377216317, gnomAD 0.2%). This variant has not been reported in the literature in individuals affected with ACOX1-related conditions. ClinVar contains an entry for this variant (Variation ID: 325385). Invitae Evidence Modeling of protein sequence and biophysical properties (such as structural, functional, and spatial information, amino acid conservation, physicochemical variation, residue mobility, and thermodynamic stability) indicates that this missense variant is expected to disrupt ACOX1 protein function with a positive predictive value of 80%. In summary, the available evidence is currently insufficient to determine the role of this variant in disease. Therefore, it has been classified as a Variant of Uncertain Significance.

Institute for Clinical Genetics, University Hospital TU Dresden, University Hospital TU Dresden
Classification: Uncertain significance. Last evaluated: 2021-11-03. Review status: criteria provided, single submitter. Criteria: ACMG Guidelines, 2015. Collection method: clinical testing. Allele origin: germline.

CeGaT Center for Human Genetics Tuebingen
Classification: Uncertain significance. Last evaluated: 2020-06-01. Review status: criteria provided, single submitter. Criteria: CeGaT Center For Human Genetics Tuebingen Variant Classification Criteria Version 2. Collection method: clinical testing. Allele origin: germline. Affected: yes. Observed: 2 variant alleles.

Illumina Laboratory Services, Illumina
Classification: Uncertain significance for Acyl-CoA oxidase deficiency. Last evaluated: 2018-01-13. Review status: criteria provided, single submitter. Criteria: ICSL Variant Classification Criteria 13 December 2019. Collection method: clinical testing. Allele origin: germline.